The following is an entry in ClinVar:

NM_001040716.2(PC):c.2543dup (p.Asp849fs)

Gene: PC (pyruvate carboxylase; minus strand). Cytogenetic location: 11q13.2.
Variant type: Duplication.
Coding change: c.2543dup on transcript NM_001040716.2 (MANE Select); coding-DNA position 2543, one base duplicated (T; older notation c.2543dupT).
Protein change: p.Asp849fs; shifts the reading frame from aspartic acid 849.
Molecular consequence: frameshift variant.
Genome position (GRCh38, 1-based): chr11:66,850,395, A duplicated on the plus strand (T on the coding strand, the reverse complement: PC is on the minus strand); the first of 2 consecutive A bases (chr11:66,850,395-66,850,396); duplicating either gives the same sequence. VCF-style (leftmost placement, unchanged base first): chr11-66850394-G-GA. GRCh37 (hg19) VCF-style: chr11-66617865-G-GA.
Other names: c.2543dup, p.Asp849fs (NM_000920.4, NM_001439352.1, NM_001439353.1 and 5 more transcripts); short protein forms D849fs.
Identifiers: ClinVar variation 5012076 (VCV005012076.1).

ClinVar aggregate classification (germline): Pathogenic (1 of 4 stars; one submission).

Conditions:
Pyruvate carboxylase deficiency. Also called: ATAXIA WITH LACTIC ACIDOSIS II; LEIGH NECROTIZING ENCEPHALOPATHY DUE TO PYRUVATE CARBOXYLASE DEFICIENCY; LEIGH SYNDROME DUE TO PYRUVATE CARBOXYLASE DEFICIENCY; PC DEFICIENCY; Pyruvate Carboxylase Deficiency Disease. Identifiers: Orphanet 3008, MedGen C0034341, MONDO:0009949, OMIM 266150.

Submission:

Myriad Genetics, Inc.
Classification: Pathogenic for Pyruvate carboxylase deficiency. Last evaluated: 2023-09-27. Review status: criteria provided, single submitter. Criteria: Myriad Autosomal Dominant, Autosomal Recessive and X-Linked Classification Criteria (2023). Collection method: clinical testing. Allele origin: unknown.
Comment: NM_000920.3(PC):c.2543dupT(D849Rfs*15) is expected to be pathogenic in the context of pyruvate carboxylase deficiency. This variant is predicted to lead to an abnormal or absent protein product due to the creation of a premature termination codon in PC, a gene where loss-of-function variants are known to be pathogenic. Please note: this variant was assessed in the context of healthy population screening.